The following is an entry in ClinVar:

ClinVar aggregate classification (germline): Likely benign. Review status: criteria provided, multiple submitters, no conflicts (2 of 4 stars). 2 submissions from 2 submitters: Likely benign (2). Last evaluated 2026-01-21.

Conditions:
Primary ciliary dyskinesia 30. Also called: CILIARY DYSKINESIA, PRIMARY, 30, WITH OR WITHOUT SITUS INVERSUS. Identifiers: Orphanet 244, MedGen C4015016, MONDO:0014465, OMIM 616037.

Allele frequency attached by ClinVar (database versions not stated): ExAC 0.00002; gnomAD exomes 0.00002 and 0.00003; gnomAD 0.00008 and 0.00009; TOPMed 0.00008.
gnomAD v4.1: 40 of 1,591,450 alleles (0.0025%); highest among the groups gnomAD compares: Admixed American, 0.018%; no homozygotes.

Submissions (2):

Labcorp Genetics (formerly Invitae), Labcorp
Classification: Likely benign for Primary ciliary dyskinesia 30. Last evaluated: 2026-01-21. Review status: criteria provided, single submitter. Criteria: Invitae Variant Classification Sherloc (09022015). Collection method: clinical testing. Allele origin: germline.

CeGaT Center for Human Genetics Tuebingen
Classification: Likely benign. Last evaluated: 2022-06-01. Review status: criteria provided, single submitter. Criteria: CeGaT Center For Human Genetics Tuebingen Variant Classification Criteria Version 2. Collection method: clinical testing. Allele origin: germline. Affected: yes. Observed: 1 variant allele.
Comment: ODAD3: BP4, BP7

NM_145045.5(ODAD3):c.1344C>T (p.Ala448=)

Gene: ODAD3 (outer dynein arm docking complex subunit 3; minus strand). Cytogenetic location: 19p13.2.
Variant type: single nucleotide variant.
Coding change: c.1344C>T on transcript NM_145045.5 (MANE Select); coding-DNA position 1344, C replaced by T.
Protein change: p.Ala448=; no amino-acid change (alanine 448 retained).
Molecular consequence: synonymous variant.
Genome position (GRCh38, 1-based): chr19:11,422,561, G>A on the plus strand (C>T on the coding strand, the complement: ODAD3 is on the minus strand). VCF-style: chr19-11422561-G-A. GRCh37 (hg19) VCF-style: chr19-11533229-G-A.
Other names: c.1182C>T, p.Ala394= (NM_001302453.1); c.1164C>T, p.Ala388= (NM_001302454.2).
Identifiers: ClinVar variation 1086041 (VCV001086041.32), dbSNP rs763572006, ClinGen allele CA9212055.